The following is an entry in ClinVar:

NM_017946.4(FKBP14):c.-22C>T

Genes: FKBP14 (FKBP prolyl isomerase 14; minus strand), FKBP14-AS1 (FKBP14 antisense RNA 1; plus strand). Cytogenetic location: 7p14.3.
Variant type: single nucleotide variant.
Coding change: c.-22C>T on transcript NM_017946.4 (MANE Select); 22 bases upstream of the start codon, C replaced by T.
Molecular consequence: 5 prime UTR variant. On other transcripts: non-coding transcript variant (2).
Genome position (GRCh38, 1-based): chr7:30,026,530, G>A on the plus strand (C>T on the coding strand, the complement: FKBP14 is on the minus strand). VCF-style: chr7-30026530-G-A. GRCh37 (hg19) VCF-style: chr7-30066146-G-A.
Identifiers: ClinVar variation 507375 (VCV000507375.1), dbSNP rs77086336, ClinGen allele CA4203527.
Genomic context (GRCh38, chr7:30,026,530, plus strand): 5'-GAACAGAGTCAAGACCGCGTTCCACAAGAAAAGCCTCATGTTGCTGAAGCAAGGAAAGAA[G>A]TCCCTACAAAAGCAGCGAAAGGTCCCTCGACTTCATAGATTTAAGAACGTAGTTCAAGGC-3'

ClinVar aggregate classification (germline): Likely benign (1 of 4 stars; one submission).

Allele frequency attached by ClinVar (database versions not stated): gnomAD exomes 0.00038; ExAC 0.00047; 1000 Genomes Project 0.00120; 1000 Genomes Project 30x 0.00141; ESP Exome Variant Server 0.00146; TOPMed 0.00180.
gnomAD v4.1: 419 of 1,594,484 alleles (0.026%); highest among the groups gnomAD compares: African/African-American, 0.51%; no homozygotes.

Submission:

GeneDx
Classification: Likely benign. Last evaluated: 2017-10-20. Review status: criteria provided, single submitter. Criteria: GeneDx Variant Classification (06012015). Collection method: clinical testing. Allele origin: germline. Affected: yes.
Comment: This variant is considered likely benign or benign based on one or more of the following criteria: it is a conservative change, it occurs at a poorly conserved position in the protein, it is predicted to be benign by multiple in silico algorithms, and/or has population frequency not consistent with disease.